The following is an entry in ClinVar:

NM_001267550.2(TTN):c.90913T>C (p.Tyr30305His)

Genes: TTN-AS1 (TTN antisense RNA 1; plus strand), TTN (titin; minus strand). Cytogenetic location: 2q31.2.
Variant type: single nucleotide variant.
Coding change: c.90913T>C on transcript NM_001267550.2 (MANE Select); coding-DNA position 90913, T replaced by C.
Protein change: p.Tyr30305His; replaces tyrosine 30305 with histidine.
Molecular consequence: missense variant.
Genome position (GRCh38, 1-based): chr2:178,551,987, A>G on the plus strand (T>C on the coding strand, the complement: TTN is on the minus strand). VCF-style: chr2-178551987-A-G. GRCh37 (hg19) VCF-style: chr2-179416714-A-G.
Other names: p.Y28664H:TAC>CAC; c.85990T>C, p.Tyr28664His (NM_001256850.1); c.63718T>C, p.Tyr21240His (NM_003319.4); c.83209T>C, p.Tyr27737His (NM_133378.4); c.64093T>C, p.Tyr21365His (NM_133432.3); c.64294T>C, p.Tyr21432His (NM_133437.4); short protein forms Y28664H, Y30305H, Y21240H, Y27737H, Y21365H, Y21432H.
Identifiers: ClinVar variation 202971 (VCV000202971.20), dbSNP rs544353741, ClinGen allele CA310849.

ClinVar aggregate classification (germline): Conflicting classifications of pathogenicity. Review status: criteria provided, conflicting classifications (1 of 4 stars). 6 submissions from 6 submitters: Uncertain significance (4); Benign (1); Likely benign (1). Last evaluated 2025-12-24.

Conditions:
TTN-related disorder. Also called: TTN-related condition; TTN-related disease; TTN-related disorders.
Dilated cardiomyopathy 1G (CMD1G). Identifiers: Orphanet 154, MedGen C1858763, MONDO:0011400, OMIM 604145.
Autosomal recessive limb-girdle muscular dystrophy type 2J (LGMDR10). Also called: Limb-girdle muscular dystrophy, type 2J; MUSCULAR DYSTROPHY, LIMB-GIRDLE, AUTOSOMAL RECESSIVE 10. Identifiers: Orphanet 140922, MedGen C1837342, MONDO:0012127, OMIM 608807.
Cardiomyopathy (CMYO). Also called: Cardiomyopathies. Identifiers: Orphanet 167848, MedGen C0878544, MONDO:0004994, HP:0001638. Inheritance: Various modes of inheritance.
Primary dilated cardiomyopathy (DCM). Also called: Dilated Cardiomyopathy. Identifiers: Orphanet 217604, MedGen C0007193, MeSH D002311, MONDO:0005021, HP:0001644. Inheritance: Various modes of inheritance.

Allele frequency attached by ClinVar (database versions not stated): gnomAD 0.00003 and 0.00011; TOPMed 0.00006; gnomAD exomes 0.00007 and 0.00014; ExAC 0.00021; 1000 Genomes Project 0.00140; 1000 Genomes Project 30x 0.00141.
gnomAD v4.1: 118 of 1,611,886 alleles (0.0073%); highest among the groups gnomAD compares: South Asian, 0.12%; no homozygotes.

Submissions (6):

Labcorp Genetics (formerly Invitae), Labcorp
Classification: Likely benign for Dilated cardiomyopathy 1G; Autosomal recessive limb-girdle muscular dystrophy type 2J. Last evaluated: 2025-12-24. Review status: criteria provided, single submitter. Criteria: Invitae Variant Classification Sherloc (09022015). Collection method: clinical testing. Allele origin: germline.

PreventionGenetics, part of Exact Sciences
Classification: Uncertain significance for TTN-related condition. Last evaluated: 2025-09-03. Review status: criteria provided, single submitter. Criteria: ACMG Guidelines, 2015. Collection method: clinical testing. Allele origin: germline.
Comment: The TTN c.90913T>C variant is predicted to result in the amino acid substitution p.Tyr30305His. To our knowledge, this variant has not been reported in the literature. This variant is reported in 0.11% of alleles in individuals of South Asian descent in gnomAD. Although we suspect that this variant may be benign, at this time, the clinical significance of this variant is uncertain due to the absence of conclusive functional and genetic evidence.

Revvity Omics, Revvity
Classification: Uncertain significance. Last evaluated: 2020-08-05. Review status: criteria provided, single submitter. Criteria: ACMG Guidelines, 2015. Collection method: clinical testing. Allele origin: germline.

CHEO Genetics Diagnostic Laboratory, Children's Hospital of Eastern Ontario
Classification: Benign for Cardiomyopathy. Last evaluated: 2018-03-28. Review status: criteria provided, single submitter. Criteria: ACMG Guidelines, 2015. Collection method: clinical testing. Allele origin: germline.

GeneDx
Classification: Uncertain significance. Last evaluated: 2014-02-17. Review status: criteria provided, single submitter. Criteria: GeneDx Variant Classification (06012015). Collection method: clinical testing. Allele origin: germline. Affected: yes.
Comment: Missense variants in the TTN gene are considered 'unclassified' if they are not previously reported in the literature and do not have >1% frequency in the population to be considered a polymorphism. Research indicates that truncating mutations in the TTN gene are expected to account for approximately 25% of familial and 18% of sporadic idiopathic DCM; however, truncating variants in the TTN gene have been reported in approximately 3% of reported control alleles. There has been little investigation into non-truncating variants. (Herman D et al. Truncations of titin causing dilated cardiomyopathy. N Eng J Med 366:619-628, 2012) The variant is found in DCM-CRDM panel(s).

Genetics and Genomics Program, Sidra Medicine
Classification: Uncertain significance for Primary dilated cardiomyopathy. Review status: criteria provided, single submitter. Criteria: ACMG Guidelines, 2015. Collection method: research. Allele origin: unknown. Affected: yes. Observed: 1 variant allele.